The following is an entry in ClinVar:

ClinVar aggregate classification (germline): Conflicting classifications of pathogenicity. Review status: criteria provided, conflicting classifications (1 of 4 stars). 2 submissions from 2 submitters: Uncertain significance (1); Likely benign (1). Last evaluated 2024-06-14.

Conditions:
Pyridoxine-dependent epilepsy (EPEO4). Also called: PYRIDOXINE DEPENDENCY WITH SEIZURES; Pyridoxine-Dependent Seizures; EPILEPSY, EARLY-ONSET, 4, VITAMIN B6-DEPENDENT; Pyridoxine-Dependent Epilepsy - ALDH7A1. Identifiers: Orphanet 3006, MedGen C1849508, MONDO:0009945, OMIM 266100. Disease mechanism: loss of function.

Submissions (2):

GeneDx
Classification: Uncertain significance. Last evaluated: 2024-06-14. Review status: criteria provided, single submitter. Criteria: GeneDx Variant Classification Process June 2021. Collection method: clinical testing. Allele origin: germline. Affected: yes.
Comment: Not observed at significant frequency in large population cohorts (gnomAD); In silico analysis indicates that this variant does not alter splicing; Has not been previously published as pathogenic or benign to our knowledge

Labcorp Genetics (formerly Invitae), Labcorp
Classification: Likely benign for Pyridoxine-dependent epilepsy. Last evaluated: 2023-08-10. Review status: criteria provided, single submitter. Criteria: Invitae Variant Classification Sherloc (09022015). Collection method: clinical testing. Allele origin: germline.

NM_001182.5(ALDH7A1):c.810G>C (p.Leu270=)

Gene: ALDH7A1 (aldehyde dehydrogenase 7 family member A1; minus strand). Cytogenetic location: 5q23.2.
Variant type: single nucleotide variant.
Coding change: c.810G>C on transcript NM_001182.5 (MANE Select); coding-DNA position 810, G replaced by C.
Protein change: p.Leu270=; no amino-acid change (leucine 270 retained).
Molecular consequence: synonymous variant.
Genome position (GRCh38, 1-based): chr5:126,568,320, C>G on the plus strand (G>C on the coding strand, the complement: ALDH7A1 is on the minus strand). VCF-style: chr5-126568320-C-G. GRCh37 (hg19) VCF-style: chr5-125904012-C-G.
Other names: c.726G>C, p.Leu242= (NM_001201377.2); c.810G>C, p.Leu270= (NM_001202404.2); c.810G>C (NM_001182.4).
Identifiers: ClinVar variation 2834390 (VCV002834390.4), dbSNP rs2480298666, ClinGen allele CA446283481.